The following is an entry in ClinVar:

ClinVar aggregate classification (germline): Uncertain significance (1 of 4 stars; one submission).

Allele frequency attached by ClinVar (database versions not stated): TOPMed below 0.00001; ExAC 0.00001; gnomAD exomes 0.00001.
gnomAD v4.1: 4 of 1,614,142 alleles (0.00025%); highest among the groups gnomAD compares: Admixed American, 0.0067%; no homozygotes.

Submission:

Labcorp Genetics (formerly Invitae), Labcorp
Classification: Uncertain significance. Last evaluated: 2022-05-22. Review status: criteria provided, single submitter. Criteria: Invitae Variant Classification Sherloc (09022015). Collection method: clinical testing. Allele origin: germline.
Comment: This sequence change replaces leucine, which is neutral and non-polar, with methionine, which is neutral and non-polar, at codon 1926 of the OTOF protein (p.Leu1926Met). In summary, the available evidence is currently insufficient to determine the role of this variant in disease. Therefore, it has been classified as a Variant of Uncertain Significance. Algorithms developed to predict the effect of missense changes on protein structure and function are either unavailable or do not agree on the potential impact of this missense change (SIFT: "Deleterious"; PolyPhen-2: "Possibly Damaging"; Align-GVGD: "Class C0"). This variant has not been reported in the literature in individuals affected with OTOF-related conditions. This variant is present in population databases (rs763255437, gnomAD 0.009%).

NM_194248.3(OTOF):c.5776C>A (p.Leu1926Met)

Gene: OTOF (otoferlin; minus strand). Cytogenetic location: 2p23.3.
Variant type: single nucleotide variant.
Coding change: c.5776C>A on transcript NM_194248.3 (MANE Select); coding-DNA position 5776, C replaced by A.
Protein change: p.Leu1926Met; replaces leucine 1926 with methionine.
Molecular consequence: missense variant.
Genome position (GRCh38, 1-based): chr2:26,460,684, G>T on the plus strand (C>A on the coding strand, the complement: OTOF is on the minus strand). VCF-style: chr2-26460684-G-T. GRCh37 (hg19) VCF-style: chr2-26683552-G-T.
Other names: c.5776C>A, p.Leu1926Met (NM_001287489.2); c.3475C>A, p.Leu1159Met (NM_004802.4, NM_194323.3); c.3706C>A, p.Leu1236Met (NM_194322.3); short protein forms L1236M, L1159M, L1926M.
Identifiers: ClinVar variation 1969296 (VCV001969296.5), dbSNP rs763255437, ClinGen allele CA1562713.